The following is an entry in ClinVar:

ClinVar aggregate classification (germline): Likely pathogenic (1 of 4 stars; one submission).

Conditions:
Methylmalonic aciduria due to complete methylmalonyl-CoA mutase deficiency.

Submission:

Natera, Inc.
Classification: Likely pathogenic for Methylmalonic aciduria due to complete methylmalonyl-CoA mutase deficiency. Last evaluated: 2025-04-03. Review status: criteria provided, single submitter. Criteria: Natera Variant Classification Schema (03/2026). Collection method: clinical testing. Allele origin: germline.
Comment: The c.911+1G>C variant in MMUT is a canonical splice donor site variant predicted to affect pre-mRNA splicing, which may result in an abnormal transcript and altered protein product. This variant is expected to result in nonsense mediated decay, truncation, or a dysfunctional protein product. This variant is rare in the general population with a frequency below the threshold expected for the associated phenotype(s). Given the available evidence, this variant is classified as Likely Pathogenic.

NM_000255.4(MMUT):c.911+1G>C

Gene: MMUT (methylmalonyl-CoA mutase; minus strand). Cytogenetic location: 6p12.3.
Variant type: single nucleotide variant.
Coding change: c.911+1G>C on transcript NM_000255.4 (MANE Select); the canonical splice donor site of the intron after coding-DNA position 911, G replaced by C.
Molecular consequence: splice donor variant.
Genome position (GRCh38, 1-based): chr6:49,456,079, C>G on the plus strand (G>C on the coding strand, the complement: MMUT is on the minus strand). VCF-style: chr6-49456079-C-G. GRCh37 (hg19) VCF-style: chr6-49423792-C-G.
Identifiers: ClinVar variation 4058082 (VCV004058082.2).